The following is an entry in ClinVar:

ClinVar aggregate classification (germline): Uncertain significance (1 of 4 stars; one submission).

Submission:

Greenwood Genetic Center Diagnostic Laboratories, Greenwood Genetic Center
Classification: Uncertain significance. Last evaluated: 2025-12-18. Review status: criteria provided, single submitter. Criteria: ACMG Guidelines, 2015. Collection method: clinical testing. Allele origin: germline. Affected: yes.
Comment: PM2

NM_006940.6(SOX5):c.1390C>G (p.Arg464Gly)

Gene: SOX5 (SRY-box transcription factor 5; minus strand). Cytogenetic location: 12p12.1.
Variant type: single nucleotide variant.
Coding change: c.1390C>G on transcript NM_006940.6 (MANE Select); coding-DNA position 1390, C replaced by G.
Protein change: p.Arg464Gly; replaces arginine 464 with glycine.
Molecular consequence: missense variant. On other transcripts: intron variant (1).
Genome position (GRCh38, 1-based): chr12:23,563,356, G>C on the plus strand (C>G on the coding strand, the complement: SOX5 is on the minus strand). VCF-style: chr12-23563356-G-C. GRCh37 (hg19) VCF-style: chr12-23716290-G-C.
Other names: c.1360C>G, p.Arg454Gly (NM_001261415.3); c.1285C>G, p.Arg429Gly (NM_001330785.2); c.1351C>G, p.Arg451Gly (NM_152989.5); c.232C>G, p.Arg78Gly (NM_178010.4); c.1126-16932C>G (NM_001261414.3); short protein forms R429G, R451G, R454G, R464G, R78G.
Identifiers: ClinVar variation 4845545 (VCV004845545.1).
Genomic context (GRCh38, chr12:23,563,356, plus strand): 5'-CAACAGCCACCTTCCCATCAAGCACCTGTTGTTCCCGTCGGAGTTGCTCCTTCATTTGCC[G>C]AGCTTCTTGGATTGCCTTGGTGACAGCATCATGGTCATTTAAGTAACCTGAACATGAGAC-3'
Protein context (NP_008871.3, residues 454-474): DAVTKAIQEA[Arg464Gly]QMKEQLRREQ